The following is an entry in ClinVar:

NM_012309.5(SHANK2):c.1175-5810G>A

Gene: SHANK2 (SH3 and multiple ankyrin repeat domains 2; minus strand). Cytogenetic location: 11q13.4.
Variant type: single nucleotide variant.
Coding change: c.1175-5810G>A on transcript NM_012309.5 (MANE Select); 5810 bases into the intron before coding-DNA position 1175, G replaced by A.
Molecular consequence: intron variant. On other transcripts: synonymous variant (1).
Genome position (GRCh38, 1-based): chr11:70,826,492, C>T on the plus strand (G>A on the coding strand, the complement: SHANK2 is on the minus strand). VCF-style: chr11-70826492-C-T. GRCh37 (hg19) VCF-style: chr11-70672597-C-T.
Other names: c.12G>A, p.Leu4= (NM_001379226.1).
Identifiers: ClinVar variation 2642100 (VCV002642100.24), dbSNP rs146204677, ClinGen allele CA6161870.

ClinVar aggregate classification (germline): Likely benign (1 of 4 stars; one submission).

Allele frequency attached by ClinVar (database versions not stated): 1000 Genomes Project 0.00120; 1000 Genomes Project 30x 0.00125; gnomAD 0.00265; TOPMed 0.00293; gnomAD exomes 0.00320; ExAC 0.00336.
gnomAD v4.1: 1,448 of 471,134 alleles (0.31%); highest among the groups gnomAD compares: Middle Eastern, 1.9%; 8 homozygotes.

Submission:

CeGaT Center for Human Genetics Tuebingen
Classification: Likely benign. Last evaluated: 2026-09-01. Review status: criteria provided, single submitter. Criteria: CeGaT Center For Human Genetics Tuebingen Variant Classification Criteria Version 2. Collection method: clinical testing. Allele origin: germline. Affected: yes. Observed: 40 variant alleles.
Comment: SHANK2: BP4, BS2